The following is an entry in ClinVar:

NM_004260.4(RECQL4):c.482A>G (p.Gln161Arg)

Gene: RECQL4 (RecQ like helicase 4; minus strand). Cytogenetic location: 8q24.3.
Variant type: single nucleotide variant.
Coding change: c.482A>G on transcript NM_004260.4 (MANE Select); coding-DNA position 482, A replaced by G.
Protein change: p.Gln161Arg; replaces glutamine 161 with arginine.
Molecular consequence: missense variant.
Genome position (GRCh38, 1-based): chr8:144,516,637, T>C on the plus strand (A>G on the coding strand, the complement: RECQL4 is on the minus strand). VCF-style: chr8-144516637-T-C. GRCh37 (hg19) VCF-style: chr8-145742021-T-C.
Other names: short protein forms Q161R.
Identifiers: ClinVar variation 640793 (VCV000640793.8), dbSNP rs1449551392, ClinGen allele CA372691308.
Genomic context (GRCh38, chr8:144,516,637, plus strand): 5'-TGGCTCAGGGATGCCTGCAGATGCTGGAGCCGGCCTGGCCTTGGCTGGGGCTCAGGGAGC[T>C]GTGGAGGCTCATCACTGACTTTTTCTGCAAAGGAGGGGACAGGCCCTGTACCTGGGGGCT-3'
Protein context (NP_004251.4, residues 151-171): FAEKVSDEPP[Gln161Arg]LPEPQPRPGR

ClinVar aggregate classification (germline): Uncertain significance. Review status: criteria provided, multiple submitters, no conflicts (2 of 4 stars). 2 submissions from 2 submitters: Uncertain significance (2). Last evaluated 2024-11-25.

Conditions:
Baller-Gerold syndrome (BGS). Also called: CRANIOSYNOSTOSIS WITH RADIAL DEFECTS. Identifiers: Orphanet 1225, MedGen C0265308, MONDO:0009039, OMIM 218600.
Inborn genetic diseases. Identifiers: MedGen C0950123, MeSH D030342.

Allele frequency attached by ClinVar (database versions not stated): gnomAD exomes below 0.00001 and 0.00001; gnomAD 0.00002 and 0.00003; TOPMed 0.00003.

Submissions (2):

Ambry Genetics
Classification: Uncertain significance for Inborn genetic diseases. Last evaluated: 2024-11-25. Review status: criteria provided, single submitter. Criteria: Ambry Variant Classification Scheme 2023. Collection method: clinical testing. Allele origin: germline.
Comment: The p.Q161R variant (also known as c.482A>G), located in coding exon 5 of the RECQL4 gene, results from an A to G substitution at nucleotide position 482. The glutamine at codon 161 is replaced by arginine, an amino acid with highly similar properties. This amino acid position is conserved. In addition, this alteration is predicted to be tolerated by in silico analysis. Based on the available evidence, the clinical significance of this variant remains unclear.

Labcorp Genetics (formerly Invitae), Labcorp
Classification: Uncertain significance for Baller-Gerold syndrome. Last evaluated: 2023-10-29. Review status: criteria provided, single submitter. Criteria: Invitae Variant Classification Sherloc (09022015). Collection method: clinical testing. Allele origin: germline.
Comment: This sequence change replaces glutamine, which is neutral and polar, with arginine, which is basic and polar, at codon 161 of the RECQL4 protein (p.Gln161Arg). This variant is present in population databases (no rsID available, gnomAD 0.008%). This variant has not been reported in the literature in individuals affected with RECQL4-related conditions. ClinVar contains an entry for this variant (Variation ID: 640793). Algorithms developed to predict the effect of missense changes on protein structure and function output the following: SIFT: "Not Available"; PolyPhen-2: "Not Available"; Align-GVGD: "Not Available". The arginine amino acid residue is found in multiple mammalian species, which suggests that this missense change does not adversely affect protein function. In summary, the available evidence is currently insufficient to determine the role of this variant in disease. Therefore, it has been classified as a Variant of Uncertain Significance.